The following is an entry in ClinVar:

ClinVar aggregate classification (germline): Uncertain significance (1 of 4 stars; one submission).

Conditions:
Hydatidiform mole, recurrent, 1 (HYDM1). Identifiers: Orphanet 254688, Orphanet 99927, MedGen C3463897, MONDO:0009273, OMIM 231090. Disease mechanism: loss of function.

gnomAD v4.1: 14 of 1,613,648 alleles (0.00087%); highest among the groups gnomAD compares: South Asian, 0.0099%; 1 homozygote.

Submission:

Illumina Laboratory Services, Illumina
Classification: Uncertain significance for Hydatidiform mole, recurrent, 1. Last evaluated: 2017-05-03. Review status: criteria provided, single submitter. Criteria: ICSL Variant Classification Criteria 13 December 2019. Collection method: clinical testing. Allele origin: germline.
Comment: This variant was observed as part of a predisposition screen in an ostensibly healthy population. A literature search was performed for the gene, cDNA change, and amino acid change (where applicable). Publications were found based on this search. However, the evidence from the literature, in combination with allele frequency data from public databases where available, was not sufficient to rule this variant in or out of causing disease. Therefore, this variant is classified as a variant of unknown significance.

Literature cited by the submitters: PubMed 26323243.

NM_001127255.2(NLRP7):c.226G>C (p.Glu76Gln)

Gene: NLRP7 (NLR family pyrin domain containing 7; minus strand). Cytogenetic location: 19q13.42.
Variant type: single nucleotide variant.
Coding change: c.226G>C on transcript NM_001127255.2 (MANE Select); coding-DNA position 226, G replaced by C.
Protein change: p.Glu76Gln; replaces glutamic acid 76 with glutamine.
Molecular consequence: missense variant.
Genome position (GRCh38, 1-based): chr19:54,941,486, C>G on the plus strand (G>C on the coding strand, the complement: NLRP7 is on the minus strand). VCF-style: chr19-54941486-C-G. GRCh37 (hg19) VCF-style: chr19-55452854-C-G.
Other names: c.226G>C, p.Glu76Gln (NM_001405531.1, NM_139176.4, NM_206828.4); short protein forms E76Q.
Identifiers: ClinVar variation 892859 (VCV000892859.6), dbSNP rs759370809, ClinGen allele CA310021207.
Genomic context (GRCh38, chr19:54,941,486, plus strand): 5'-TCTACTTACCCATCATCTCAGCCTTTGCCATCTTACACAATTCCGTGAGATTCATCTCTT[C>G]CAAGATGTTCACAGTCGCATTCCTTATCCAATTTTCTGAGGAGGTGTTGACCAGAATTTC-3'
Protein context (NP_001120727.1, residues 66-86): WIRNATVNIL[Glu76Gln]EMNLTELCKM